The following is an entry in ClinVar:

ClinVar aggregate classification (germline): Uncertain significance. Review status: criteria provided, multiple submitters, no conflicts (2 of 4 stars). 2 submissions from 2 submitters: Uncertain significance (2). Last evaluated 2023-04-01.

Conditions:
RLIM-related syndromic intellectual disability.

Allele frequency attached by ClinVar (database versions not stated): gnomAD exomes 0.00001 and 0.00006; TOPMed 0.00003; ExAC 0.00005.
gnomAD v4.1: 13 of 1,206,046 alleles (0.0011%); highest among the groups gnomAD compares: Admixed American, 0.022%; no homozygotes.

Submissions (2):

CeGaT Center for Human Genetics Tuebingen
Classification: Uncertain significance. Last evaluated: 2023-04-01. Review status: criteria provided, single submitter. Criteria: CeGaT Center For Human Genetics Tuebingen Variant Classification Criteria Version 2. Collection method: clinical testing. Allele origin: germline. Affected: yes. Observed: 1 variant allele.
Comment: RLIM: PS3:Supporting, BS1:Supporting

Illumina Laboratory Services, Illumina
Classification: Uncertain significance for RLIM-related syndromic intellectual disability. Last evaluated: 2020-11-30. Review status: criteria provided, single submitter. Criteria: ICSLVariantClassificationCriteria RUGD 01 April 2020. Collection method: clinical testing. Allele origin: unknown.
Comment: The RLIM c.230C>T (p.Pro77Leu) variant is a missense variant that has been reported in one study in which it was found in a hemizygous state in one affected individual (Frints et al. 2019). The p.Pro77Leu variant is reported at a frequency of 0.0003895, including two hemizygotes, in the Latino/Admixed American population from the Genome Aggregation Database. In vivo experiments in rlim mutant zebrafish showed that, similar to other patient-specific missense RLIM variants, the p.Pro77Leu variant was unable to rescue a small head size phenotype, whereas wildtype and a known benign variant rescued the phenotype (Frints et al. 2019). Based on the conflicting evidence from the literature and frequency databases, the p.Pro77Leu variant is classified as a variant of uncertain significance for RLIM-related syndromic intellectual disability.

Literature cited by the submitters: PubMed 29728705 (cited by Illumina Laboratory Services, Illumina).

NM_016120.4(RLIM):c.230C>T (p.Pro77Leu)

Gene: RLIM (ring finger protein, LIM domain interacting; minus strand). Cytogenetic location: Xq13.2.
Variant type: single nucleotide variant.
Coding change: c.230C>T on transcript NM_016120.4 (MANE Select); coding-DNA position 230, C replaced by T.
Protein change: p.Pro77Leu; replaces proline 77 with leucine.
Molecular consequence: missense variant.
Genome position (GRCh38, 1-based): chrX:74,594,329, G>A on the plus strand (C>T on the coding strand, the complement: RLIM is on the minus strand). VCF-style: chrX-74594329-G-A. GRCh37 (hg19) VCF-style: chrX-73814164-G-A.
Other names: c.230C>T, p.Pro77Leu (NM_183353.3); short protein forms P77L.
Identifiers: ClinVar variation 1199216 (VCV001199216.31), dbSNP rs751761965, ClinGen allele CA10454750.